The following is an entry in ClinVar:

NM_030773.4(TUBB1):c.437G>C (p.Gly146Ala)

Gene: TUBB1 (tubulin beta 1 class VI; plus strand). Cytogenetic location: 20q13.32.
Variant type: single nucleotide variant.
Coding change: c.437G>C on transcript NM_030773.4 (MANE Select); coding-DNA position 437, G replaced by C.
Protein change: p.Gly146Ala; replaces glycine 146 with alanine.
Molecular consequence: missense variant.
Genome position (GRCh38, 1-based): chr20:59,023,864, G>C. VCF-style: chr20-59023864-G-C. GRCh37 (hg19) VCF-style: chr20-57598919-G-C.
Other names: short protein forms G146A.
Identifiers: ClinVar variation 2017628 (VCV002017628.4), dbSNP rs1403185885, ClinGen allele CA409466921.

ClinVar aggregate classification (germline): Uncertain significance (1 of 4 stars; one submission).

Allele frequency attached by ClinVar (database versions not stated): gnomAD exomes below 0.00001.
gnomAD v4.1: 2 of 1,614,120 alleles (0.00012%); highest among the groups gnomAD compares: Admixed American, 0.0033%; no homozygotes.

Submission:

Labcorp Genetics (formerly Invitae), Labcorp
Classification: Uncertain significance. Last evaluated: 2022-08-03. Review status: criteria provided, single submitter. Criteria: Invitae Variant Classification Sherloc (09022015). Collection method: clinical testing. Allele origin: germline.
Comment: This sequence change replaces glycine, which is neutral and non-polar, with alanine, which is neutral and non-polar, at codon 146 of the TUBB1 protein (p.Gly146Ala). In summary, the available evidence is currently insufficient to determine the role of this variant in disease. Therefore, it has been classified as a Variant of Uncertain Significance. Algorithms developed to predict the effect of missense changes on protein structure and function are either unavailable or do not agree on the potential impact of this missense change (SIFT: "Not Available"; PolyPhen-2: "Probably Damaging"; Align-GVGD: "Not Available"). This variant has not been reported in the literature in individuals affected with TUBB1-related conditions. This variant is present in population databases (no rsID available, gnomAD 0.006%).